The following is an entry in ClinVar:

NM_007126.5(VCP):c.410C>T (p.Pro137Leu)

Gene: VCP (valosin containing protein; minus strand). Cytogenetic location: 9p13.3.
Variant type: single nucleotide variant.
Coding change: c.410C>T on transcript NM_007126.5 (MANE Select); coding-DNA position 410, C replaced by T.
Protein change: p.Pro137Leu; replaces proline 137 with leucine.
Molecular consequence: missense variant.
Genome position (GRCh38, 1-based): chr9:35,066,710, G>A on the plus strand (C>T on the coding strand, the complement: VCP is on the minus strand). VCF-style: chr9-35066710-G-A. GRCh37 (hg19) VCF-style: chr9-35066707-G-A.
Other names: c.275C>T, p.Pro92Leu (NM_001354927.2, NM_001354928.2); short protein forms P137L, P92L.
Identifiers: ClinVar variation 3768936 (VCV003768936.2).

ClinVar aggregate classification (germline): Pathogenic/Likely pathogenic. Review status: criteria provided, multiple submitters, no conflicts (2 of 4 stars). 2 submissions from 2 submitters: Pathogenic (1); Likely pathogenic (1). Last evaluated 2025-07-30.

Conditions:
Charcot-Marie-Tooth disease type 2Y. Also called: CHARCOT-MARIE-TOOTH DISEASE, AXONAL, AUTOSOMAL DOMINANT, TYPE 2Y; CHARCOT-MARIE-TOOTH NEUROPATHY, TYPE 2Y; Charcot-Marie-Tooth disease, axonal, type 2y. Identifiers: Orphanet 435387, MedGen C5569026, MONDO:0014735, OMIM 616687.
Inclusion body myopathy with Paget disease of bone and frontotemporal dementia. Also called: Inclusion body myopathy with early-onset Paget disease and frontotemporal dementia. Identifiers: Orphanet 52430, MedGen C1833662, MONDO:0000507.
Frontotemporal dementia and/or amyotrophic lateral sclerosis 6 (FTDALS6). Also called: VCP-Related Amyotrophic Lateral Sclerosis/Frontotemporal Dementia; VCP-Related Amyotrophic Lateral Sclerosis. Identifiers: Orphanet 275872, Orphanet 803, MedGen C5436279, MONDO:0013501, OMIM 613954.

gnomAD v4.1: 1 of 1,614,078 alleles (0.000062%); highest among the groups gnomAD compares: Non-Finnish European, 0.000085%; no homozygotes.

Submissions (2):

Labcorp Genetics (formerly Invitae), Labcorp
Classification: Likely pathogenic for Inclusion body myopathy with Paget disease of bone and frontotemporal dementia; Frontotemporal dementia and/or amyotrophic lateral sclerosis 6. Last evaluated: 2025-07-30. Review status: criteria provided, single submitter. Criteria: Invitae Variant Classification Sherloc (09022015). Collection method: clinical testing. Allele origin: germline.
Comment: This sequence change replaces proline, which is neutral and non-polar, with leucine, which is neutral and non-polar, at codon 137 of the VCP protein (p.Pro137Leu). This variant is not present in population databases (gnomAD no frequency). This missense change has been observed in individuals with clinical features of VCP-related conditions (PMID: 19364651, 21684747, 28256728, 37002192). ClinVar contains an entry for this variant (Variation ID: 3768936). Invitae Evidence Modeling of protein sequence and biophysical properties (such as structural, functional, and spatial information, amino acid conservation, physicochemical variation, residue mobility, and thermodynamic stability) indicates that this missense variant is not expected to disrupt VCP protein function with a negative predictive value of 80%. Experimental studies are conflicting or provide insufficient evidence to determine the effect of this variant on VCP function (PMID: 23333620, 27768726, 28542158). In summary, the currently available evidence indicates that the variant is pathogenic, but additional data are needed to prove that conclusively. Therefore, this variant has been classified as Likely Pathogenic.

Women's Health and Genetics/Laboratory Corporation of America, LabCorp
Classification: Pathogenic for Charcot-Marie-Tooth disease type 2Y. Last evaluated: 2025-02-19. Review status: criteria provided, single submitter. Criteria: LabCorp Variant Classification Summary - May 2015. Collection method: clinical testing. Allele origin: germline.
Comment: Variant summary: VCP c.410C>T (p.Pro137Leu) results in a non-conservative amino acid change located in the CDC48, domain 2 (IPR004201) of the encoded protein sequence. Five of five in-silico tools predict a damaging effect of the variant on protein function. The variant was absent in 251450 control chromosomes (gnomAD). c.410C>T has been reported in the literature in multiple individuals affected with VCP-Related Disorders (Stojkovic_2009, Palmio_2011, Cerino_2017). These data indicate that the variant is very likely to be associated with disease. Multiple publications report experimental evidence evaluating an impact on protein function and this variant affected the VCP protein function (Erzurumlu_2013, Bayraktar_2016, Yang_2017). The following publications have been ascertained in the context of this evaluation (PMID: 27768726, 28256728, 23333620, 21684747, 19364651, 28542158). No submitters have cited clinical-significance assessments for this variant to ClinVar. Based on the evidence outlined above, the variant was classified as pathogenic.

Literature cited by the submitters: PubMed 19364651 (cited by Labcorp Genetics (formerly Invitae), Labcorp and Women's Health and Genetics/Laboratory Corporation of America, LabCorp); PubMed 21684747 (cited by Labcorp Genetics (formerly Invitae), Labcorp and Women's Health and Genetics/Laboratory Corporation of America, LabCorp); PubMed 28256728 (cited by Labcorp Genetics (formerly Invitae), Labcorp and Women's Health and Genetics/Laboratory Corporation of America, LabCorp); PubMed 37002192 (cited by Labcorp Genetics (formerly Invitae), Labcorp); PubMed 23333620 (cited by Labcorp Genetics (formerly Invitae), Labcorp and Women's Health and Genetics/Laboratory Corporation of America, LabCorp); PubMed 27768726 (cited by Labcorp Genetics (formerly Invitae), Labcorp and Women's Health and Genetics/Laboratory Corporation of America, LabCorp); PubMed 28542158 (cited by Labcorp Genetics (formerly Invitae), Labcorp and Women's Health and Genetics/Laboratory Corporation of America, LabCorp).